The following is an entry in ClinVar:

ClinVar aggregate classification (germline): Likely pathogenic (1 of 4 stars; one submission).

Conditions:
Oculodentodigital dysplasia, autosomal recessive. Also called: OCULODENTOOSSEOUS DYSPLASIA, AUTOSOMAL RECESSIVE; ODDD, AUTOSOMAL RECESSIVE; ODOD, AUTOSOMAL RECESSIVE. Identifiers: Orphanet 2710, MedGen C2749477, MONDO:0009768, OMIM 257850.

Submission:

Labcorp Genetics (formerly Invitae), Labcorp
Classification: Likely pathogenic for Oculodentodigital dysplasia, autosomal recessive. Last evaluated: 2023-05-19. Review status: criteria provided, single submitter. Criteria: Invitae Variant Classification Sherloc (09022015). Collection method: clinical testing. Allele origin: germline.
Comment: This variant is not present in population databases (gnomAD no frequency). This sequence change replaces valine, which is neutral and non-polar, with leucine, which is neutral and non-polar, at codon 41 of the GJA1 protein (p.Val41Leu). In summary, the currently available evidence indicates that the variant is pathogenic, but additional data are needed to prove that conclusively. Therefore, this variant has been classified as Likely Pathogenic. Advanced modeling of protein sequence and biophysical properties (such as structural, functional, and spatial information, amino acid conservation, physicochemical variation, residue mobility, and thermodynamic stability) performed at Invitae indicates that this missense variant is expected to disrupt GJA1 protein function. This missense change has been observed in individual(s) with hidrotic ectodermal dysplasia (PMID: 15757815). In at least one individual the variant was observed to be de novo.

Literature cited by the submitters: PubMed 15757815.

NM_000165.5(GJA1):c.121G>C (p.Val41Leu)

Gene: GJA1 (gap junction protein alpha 1; plus strand). Cytogenetic location: 6q22.31.
Variant type: single nucleotide variant.
Coding change: c.121G>C on transcript NM_000165.5 (MANE Select); coding-DNA position 121, G replaced by C.
Protein change: p.Val41Leu; replaces valine 41 with leucine.
Molecular consequence: missense variant.
Genome position (GRCh38, 1-based): chr6:121,446,968, G>C. VCF-style: chr6-121446968-G-C. GRCh37 (hg19) VCF-style: chr6-121768114-G-C.
Other names: short protein forms V41L.
Identifiers: ClinVar variation 2734938 (VCV002734938.3), dbSNP rs2536821212, ClinGen allele CA365557955.